The following is an entry in ClinVar:

NM_000143.4(FH):c.928A>G (p.Asn310Asp)

Gene: FH (fumarate hydratase; minus strand). Cytogenetic location: 1q43.
Variant type: single nucleotide variant.
Coding change: c.928A>G on transcript NM_000143.4 (MANE Select); coding-DNA position 928, A replaced by G.
Protein change: p.Asn310Asp; replaces asparagine 310 with aspartic acid.
Molecular consequence: missense variant.
Genome position (GRCh38, 1-based): chr1:241,504,222, T>C on the plus strand (A>G on the coding strand, the complement: FH is on the minus strand). VCF-style: chr1-241504222-T-C. GRCh37 (hg19) VCF-style: chr1-241667522-T-C.
Other names: short protein forms N310D.
Identifiers: ClinVar variation 3371604 (VCV003371604.1).
Genomic context (GRCh38, chr1:241,504,222, plus strand): 5'-TGTTCATGGCTCCACTGAGCTCAACCAGAGCGTCATGAGCAGCCAGAGCTTCAAATTTAT[T>C]CGGAGCAGTGACAAAAGGCAAGCCTAAAGAAAAGAAAAATATCCTAGATGGGTGAACAAG-3'
Protein context (NP_000134.2, residues 300-320): LTGLPFVTAP[Asn310Asp]KFEALAAHDA

ClinVar aggregate classification (germline): Uncertain significance (1 of 4 stars; one submission).

Submission:

GeneDx
Classification: Uncertain significance. Last evaluated: 2024-03-27. Review status: criteria provided, single submitter. Criteria: GeneDx Variant Classification Process June 2021. Collection method: clinical testing. Allele origin: germline. Affected: yes.
Comment: Not observed at significant frequency in large population cohorts (gnomAD); In silico analysis supports that this missense variant has a deleterious effect on protein structure/function; Has not been previously published as pathogenic or benign to our knowledge